The following is an entry in ClinVar:

ClinVar aggregate classification (germline): Uncertain significance (1 of 4 stars; one submission).

Allele frequency attached by ClinVar (database versions not stated): gnomAD exomes below 0.00001; TOPMed below 0.00001.
gnomAD v4.1: 2 of 1,211,825 alleles (0.00017%); highest among the groups gnomAD compares: Non-Finnish European, 0.00022%; no homozygotes.

Submission:

Labcorp Genetics (formerly Invitae), Labcorp
Classification: Uncertain significance. Last evaluated: 2019-09-08. Review status: criteria provided, single submitter. Criteria: Invitae Variant Classification Sherloc (09022015). Collection method: clinical testing. Allele origin: germline.
Comment: In summary, the available evidence is currently insufficient to determine the role of this variant in disease. Therefore, it has been classified as a Variant of Uncertain Significance. Algorithms developed to predict the effect of missense changes on protein structure and function (SIFT, PolyPhen-2, Align-GVGD) all suggest that this variant is likely to be disruptive, but these predictions have not been confirmed by published functional studies and their clinical significance is uncertain. This variant has not been reported in the literature in individuals with NEXMIF-related conditions. This variant is not present in population databases (ExAC no frequency). This sequence change replaces serine with phenylalanine at codon 1000 of the NEXMIF protein (p.Ser1000Phe). The serine residue is highly conserved and there is a large physicochemical difference between serine and phenylalanine.

NM_001008537.3(NEXMIF):c.2999C>T (p.Ser1000Phe)

Gene: NEXMIF (neurite extension and migration factor; minus strand). Cytogenetic location: Xq13.3.
Variant type: single nucleotide variant.
Coding change: c.2999C>T on transcript NM_001008537.3 (MANE Select); coding-DNA position 2999, C replaced by T.
Protein change: p.Ser1000Phe; replaces serine 1000 with phenylalanine.
Molecular consequence: missense variant.
Genome position (GRCh38, 1-based): chrX:74,741,558, G>A on the plus strand (C>T on the coding strand, the complement: NEXMIF is on the minus strand). VCF-style: chrX-74741558-G-A. GRCh37 (hg19) VCF-style: chrX-73961393-G-A.
Other names: short protein forms S1000F.
Identifiers: ClinVar variation 963840 (VCV000963840.9), dbSNP rs2080103689, ClinGen allele CA413666950.
Genomic context (GRCh38, chrX:74,741,558, plus strand): 5'-TCATCGCCATCCTTTTCACAGGACTTCAAGCTTAAGGAGCAATAATTACTTGAGCTGACA[G>A]AGAGTGGGGCCATTGAATCAAAGCTAAAGAGCCGACCATCATCCATATTGACTGGCCCCT-3'
Protein context (NP_001008537.1, residues 990-1010): LFSFDSMAPL[Ser1000Phe]VSSSNYCSLS